The following is an entry in ClinVar:

ClinVar aggregate classification (germline): Uncertain significance (1 of 4 stars; one submission).

gnomAD v4.1: 6 of 1,614,188 alleles (0.00037%); highest among the groups gnomAD compares: Admixed American, 0.0033%; no homozygotes.

Submission:

Women's Health and Genetics/Laboratory Corporation of America, LabCorp
Classification: Uncertain significance. Last evaluated: 2025-12-23. Review status: criteria provided, single submitter. Criteria: LabCorp Variant Classification Summary - May 2015. Collection method: clinical testing. Allele origin: germline.
Comment: Variant summary: EIF2B4 c.932T>C (p.Ile311Thr) results in a non-conservative amino acid change in the encoded protein sequence. Algorithms developed to predict the effect of missense changes on protein structure and function all suggest that this variant is likely to be disruptive. The variant allele was found at a frequency of 1.6e-05 in 251492 control chromosomes (gnomAD). The available data on variant occurrences in the general population are insufficient to allow any conclusion about variant significance. c.932T>C has been observed in individual affected with Leukoencephalopathy With Vanishing White Matter (Deng_2021). These data do not allow any conclusion about variant significance. To our knowledge, no experimental evidence demonstrating an impact on protein function has been reported. The following publication has been ascertained in the context of this evaluation (PMID: 34745209). No submitters have cited clinical-significance assessments for this variant to ClinVar. Based on the evidence outlined above, the variant was classified as uncertain significance.

Literature cited by the submitters: PubMed 34745209.

NM_001034116.2(EIF2B4):c.935T>C (p.Ile312Thr)

Genes: EIF2B4 (eukaryotic translation initiation factor 2B subunit delta; minus strand), GTF3C2-AS2 (GTF3C2 antisense RNA 2; plus strand). Cytogenetic location: 2p23.3.
Variant type: single nucleotide variant.
Coding change: c.935T>C on transcript NM_001034116.2 (MANE Select); coding-DNA position 935, T replaced by C.
Protein change: p.Ile312Thr; replaces isoleucine 312 with threonine.
Molecular consequence: missense variant.
Genome position (GRCh38, 1-based): chr2:27,367,152, A>G on the plus strand (T>C on the coding strand, the complement: EIF2B4 is on the minus strand). VCF-style: chr2-27367152-A-G. GRCh37 (hg19) VCF-style: chr2-27590019-A-G.
Other names: c.998T>C, p.Ile333Thr (NM_001318965.2); c.890T>C, p.Ile297Thr (NM_001318966.2); c.842T>C, p.Ile281Thr (NM_001318967.2); c.350T>C, p.Ile117Thr (NM_001318968.2); c.317T>C, p.Ile106Thr (NM_001318969.2); c.932T>C, p.Ile311Thr (NM_015636.4); c.995T>C, p.Ile332Thr (NM_172195.4); short protein forms I106T, I117T, I281T, I297T, I311T, I312T, I332T, I333T.
Identifiers: ClinVar variation 4688864 (VCV004688864.1).
Genomic context (GRCh38, chr2:27,367,152, plus strand): 5'-ACATCTCCATTACTGATCTTCTGGTAAGCAAAGCGTGAAATTGCCTGAGCTGCTAGCACA[A>G]TCTTCTCTTGCACATACCGATCAATGGCTGCTCGAAGTTCTGACTTGGCCTAAATGGAGT-3'
Protein context (NP_001029288.1, residues 302-322): AAIDRYVQEK[Ile312Thr]VLAAQAISRF